The following is an entry in ClinVar:

ClinVar aggregate classification (germline): Uncertain significance (1 of 4 stars; one submission).

Conditions:
Susceptibility to respiratory infections associated with CD8alpha chain mutation (IMD116). Also called: Cd8 deficiency, familial; IMMUNODEFICIENCY 116. Identifiers: Orphanet 169085, MedGen C1837065, MONDO:0012161, OMIM 608957.

Allele frequency attached by ClinVar (database versions not stated): TOPMed below 0.00001.
gnomAD v4.1: 1 of 1,614,194 alleles (0.000062%); highest among the groups gnomAD compares: East Asian, 0.0022%; no homozygotes.

Submission:

Labcorp Genetics (formerly Invitae), Labcorp
Classification: Uncertain significance for Susceptibility to respiratory infections associated with CD8alpha chain mutation. Last evaluated: 2024-02-17. Review status: criteria provided, single submitter. Criteria: Invitae Variant Classification Sherloc (09022015). Collection method: clinical testing. Allele origin: germline.
Comment: This sequence change replaces arginine, which is basic and polar, with lysine, which is basic and polar, at codon 93 of the CD8A protein (p.Arg93Lys). This variant is not present in population databases (gnomAD no frequency). This variant has not been reported in the literature in individuals affected with CD8A-related conditions. ClinVar contains an entry for this variant (Variation ID: 1514814). Algorithms developed to predict the effect of missense changes on protein structure and function output the following: SIFT: "Not Available"; PolyPhen-2: "Benign"; Align-GVGD: "Not Available". The lysine amino acid residue is found in multiple mammalian species, which suggests that this missense change does not adversely affect protein function. In summary, the available evidence is currently insufficient to determine the role of this variant in disease. Therefore, it has been classified as a Variant of Uncertain Significance.

NM_001768.7(CD8A):c.278G>A (p.Arg93Lys)

Gene: CD8A (CD8 subunit alpha; minus strand). Cytogenetic location: 2p11.2.
Variant type: single nucleotide variant.
Coding change: c.278G>A on transcript NM_001768.7 (MANE Select); coding-DNA position 278, G replaced by A.
Protein change: p.Arg93Lys; replaces arginine 93 with lysine.
Molecular consequence: missense variant. On other transcripts: non-coding transcript variant (3).
Genome position (GRCh38, 1-based): chr2:86,790,453, C>T on the plus strand (G>A on the coding strand, the complement: CD8A is on the minus strand). VCF-style: chr2-86790453-C-T. GRCh37 (hg19) VCF-style: chr2-87017576-C-T.
Other names: c.278G>A, p.Arg93Lys (NM_001145873.1, NM_001382698.1, NM_171827.4); short protein forms R93K.
Identifiers: ClinVar variation 1514814 (VCV001514814.6), dbSNP rs1673233249, ClinGen allele CA347576954.